The following is an entry in ClinVar:

NM_000552.5(VWF):c.5014G>A (p.Gly1672Arg)

Gene: VWF (von Willebrand factor; minus strand). Cytogenetic location: 12p13.31.
Variant type: single nucleotide variant.
Coding change: c.5014G>A on transcript NM_000552.5 (MANE Select); coding-DNA position 5014, G replaced by A.
Protein change: p.Gly1672Arg; replaces glycine 1672 with arginine.
Molecular consequence: missense variant.
Genome position (GRCh38, 1-based): chr12:6,018,404, C>T on the plus strand (G>A on the coding strand, the complement: VWF is on the minus strand). VCF-style: chr12-6018404-C-T. GRCh37 (hg19) VCF-style: chr12-6127570-C-T.
Other names: short protein forms G1672R.
Identifiers: ClinVar variation 100414 (VCV000100414.14), dbSNP rs61750598, ClinGen allele CA228696.

ClinVar aggregate classification (germline): Uncertain significance. Review status: criteria provided, multiple submitters, no conflicts (2 of 4 stars). 8 submissions from 8 submitters: Uncertain significance (6). 2 of the submissions do not count toward it. Last evaluated 2026-04-24.

Conditions:
von Willebrand disease type 2 (VWD2). Also called: VWD, TYPE 2; VON WILLEBRAND DISEASE, TYPE 2A/IIE; VON WILLEBRAND DISEASE, TYPE 2CB; VON WILLEBRAND DISEASE, TYPE II. Identifiers: Orphanet 166081, Orphanet 903, MedGen C1264040, MONDO:0013304, OMIM 613554.
von Willebrand disease type 1 (VWD1). Also called: VWD, TYPE 1; VON WILLEBRAND DISEASE, TYPE I. Identifiers: Orphanet 166078, Orphanet 903, MedGen C1264039, MONDO:0008668, OMIM 193400. Inheritance: autosomal recessive or autosomal dominant.
von Willebrand disease type 3 (VWD3). Also called: Type 3 Von Willebrand's disease; Type 3 VWD; Von Willebrand disease, severe form; V WD3; VON WILLEBRAND DISEASE, TYPE III. Identifiers: Orphanet 166096, MedGen C1264041, MONDO:0010191, OMIM 277480.

Allele frequency attached by ClinVar (database versions not stated): ESP Exome Variant Server 0.00015; gnomAD 0.00018 and 0.00021; gnomAD exomes 0.00018 and 0.00041; TOPMed 0.00024; ExAC 0.00058; 1000 Genomes Project 30x 0.00078; 1000 Genomes Project 0.00100.
gnomAD v4.1: 303 of 1,612,262 alleles (0.019%); highest among the groups gnomAD compares: East Asian, 0.19%; no homozygotes.

Submissions (8):

Women's Health and Genetics/Laboratory Corporation of America, LabCorp
Classification: Uncertain significance. Last evaluated: 2026-04-24. Review status: criteria provided, single submitter. Criteria: LabCorp Variant Classification Summary - May 2015. Collection method: clinical testing. Allele origin: germline.
Comment: Variant summary: VWF c.5014G>A (p.Gly1672Arg) results in a non-conservative amino acid change located in the carboxyl-terminal end of the A2 domain (Hagiwara_1996) of the encoded protein sequence. Algorithms developed to predict the effect of missense changes on protein structure and function are either unavailable or do not agree on the potential impact of this missense change. The variant allele was found at a frequency of 0.00041 in 247774 control chromosomes. This frequency is not significantly higher than estimated for disease-causing variants in VWF, allowing no conclusion about variant significance. c.5014G>A has been reported in the literature among individuals undergoing sequencing of the vWF gene for von Willebrand Disease (example, Hagiwara_1996, Veyradier_2016, Manderstedt_2018). In at-least one ascertained report, this variant was in cis with another reportedly known vWF gene mutation in all three families examined leading authors to speculate a common origin and occurence on the same haplotype (Manderstedt_2018). To our knowledge, no experimental evidence demonstrating an impact on protein function has been reported. The following publications have been ascertained in the context of this evaluation (PMID: 19453940, 8865541, 31249928, 27443694, 26986123). ClinVar contains an entry for this variant (Variation ID: 100414). Based on the evidence outlined above, the variant was classified as uncertain significance.

Center for Genomic Medicine, Rigshospitalet, Copenhagen University Hospital
Classification: Uncertain significance. Last evaluated: 2025-03-04. Review status: criteria provided, single submitter. Criteria: ACMG Guidelines, 2015. Collection method: clinical testing. Allele origin: germline.

Quest Diagnostics Nichols Institute San Juan Capistrano
Classification: Uncertain significance. Last evaluated: 2024-08-19. Review status: criteria provided, single submitter. Criteria: Quest Diagnostics criteria. Collection method: clinical testing. Allele origin: unknown.
Comment: The VWF c.5014G>A (p.Gly1672Arg) variant has been reported in the published literature in individuals affected with von Willebrand Disease Type 2A (PMIDs: 8865541 (1996), 31249928 (2017), 31026269 (2019), and 26986123 (2016)) as well as in an individual with thrombotic microangiopathy on kidney biopsy with severe hypertension (PMID: 37103770 (2023)). The frequency of this variant in the general population, 0.0042 (16/3792 chromosomes (Genome Aggregation Database)), is uninformative in the assessment of its pathogenicity. Analysis of this variant using bioinformatics tools for the prediction of the effect of amino acid changes on protein structure and function yielded conflicting predictions that this variant is deleterious or benign. Based on the available information, we are unable to determine the clinical significance of this variant.

ARUP Laboratories, Molecular Genetics and Genomics, ARUP Laboratories
Classification: Uncertain significance. Last evaluated: 2024-08-14. Review status: criteria provided, single submitter. Criteria: ARUP Molecular Germline Variant Investigation Process 2024. Collection method: clinical testing. Allele origin: germline.
Comment: The VWF c.5014G>A; p.Gly1672Arg variant (rs61750598, ClinVar Variation ID: 100414) is reported in the literature in individuals affected with von Willebrand disease type 2A (Manderstedt 2018, Veyradier 2016). This variant is found in the general population with an overall allele frequency of 0.04% (107/279,098 alleles) in the Genome Aggregation Database (v2.1.1). Computational analyses are uncertain whether this variant is neutral or deleterious (REVEL: 0.473). Due to limited information, the clinical significance of this variant is uncertain at this time. References: Manderstedt E et al. Genetic Variation in the von Willebrand Factor Gene in Swedish von Willebrand Disease Patients. TH Open. 2018 Jan 30;2(1):e39-e48. PMID: 31249928. Veyradier A et al. A Laboratory Phenotype/Genotype Correlation of 1167 French Patients From 670 Families With von Willebrand Disease: A New Epidemiologic Picture. Medicine (Baltimore). 2016 Mar;95(11):e3038. PMID: 26986123.

GeneDx
Classification: Uncertain significance. Last evaluated: 2022-02-23. Review status: criteria provided, single submitter. Criteria: GeneDx Variant Classification Process June 2021. Collection method: clinical testing. Allele origin: germline. Affected: yes.
Comment: Reported with a second VWF variant, phase unknown, in unrelated patients with von Willebrand disease in published literature (Manderstedt et al., 2018); In silico analysis supports that this missense variant does not alter protein structure/function; This variant is associated with the following publications: (PMID: 8865541, 19506362, 11686104, 19453940, 32237035, 23216583, 12551832, 31026269, 31249928)

Juno Genomics, Hangzhou Juno Genomics, Inc
Classification: Uncertain significance for von Willebrand disease type 1; von Willebrand disease type 3; von Willebrand disease type 2. Review status: criteria provided, single submitter. Criteria: ACMG Guidelines, 2015. Collection method: clinical testing. Allele origin: germline.
Comment: Missense variant in a gene that has a low rate of benign missense variation.;For recessive disorders, detected in trans with a pathogenic variant.

Angelo Bianchi Bonomi Hemophilia and Thrombosis Center, Fondazione IRCCS Ca Granda Ospedale Maggiore Policlinico
Classification: Uncertain significance for von Willebrand disease type 2. Last evaluated: 2022-04-26. Review status: no assertion criteria provided. Collection method: clinical testing. Allele origin: germline. Affected: yes. Not counted in ClinVar's aggregate classification.

Academic Unit of Haematology, University of Sheffield
No classification provided. Review status: no classification provided. Collection method: not provided. Allele origin: not provided. Not counted in ClinVar's aggregate classification.

Literature cited by the submitters: PubMed 27443694 (cited by Women's Health and Genetics/Laboratory Corporation of America, LabCorp and Quest Diagnostics Nichols Institute San Juan Capistrano); PubMed 26986123 (cited by Women's Health and Genetics/Laboratory Corporation of America, LabCorp and Quest Diagnostics Nichols Institute San Juan Capistrano); PubMed 19453940 (cited by Women's Health and Genetics/Laboratory Corporation of America, LabCorp and Quest Diagnostics Nichols Institute San Juan Capistrano); PubMed 31249928 (cited by Women's Health and Genetics/Laboratory Corporation of America, LabCorp and Quest Diagnostics Nichols Institute San Juan Capistrano); PubMed 8865541 (cited by Women's Health and Genetics/Laboratory Corporation of America, LabCorp and Quest Diagnostics Nichols Institute San Juan Capistrano); PubMed 37103770 (cited by Quest Diagnostics Nichols Institute San Juan Capistrano); PubMed 37647632 (cited by Quest Diagnostics Nichols Institute San Juan Capistrano); PubMed 19506362 (cited by Quest Diagnostics Nichols Institute San Juan Capistrano); PubMed 31026269 (cited by Quest Diagnostics Nichols Institute San Juan Capistrano); PubMed 11686104 (cited by Quest Diagnostics Nichols Institute San Juan Capistrano); PubMed 23216583 (cited by Quest Diagnostics Nichols Institute San Juan Capistrano).